The following is an entry in ClinVar:

ClinVar aggregate classification (germline): Uncertain significance (1 of 4 stars; one submission).

Conditions:
Inborn genetic diseases. Identifiers: MedGen C0950123, MeSH D030342.

Submission:

Ambry Genetics
Classification: Uncertain significance for Inborn genetic diseases. Last evaluated: 2025-09-22. Review status: criteria provided, single submitter. Criteria: Ambry Variant Classification Scheme 2023. Collection method: clinical testing. Allele origin: germline.
Comment: The p.A615S variant (also known as c.1843G>T), located in coding exon 13 of the ASXL1 gene, results from a G to T substitution at nucleotide position 1843. The alanine at codon 615 is replaced by serine, an amino acid with similar properties. This amino acid position is conserved. In addition, the in silico prediction for this alteration is inconclusive. Based on the available evidence, the clinical significance of this variant remains unclear.

NM_015338.6(ASXL1):c.1843G>T (p.Ala615Ser)

Gene: ASXL1 (ASXL transcriptional regulator 1; plus strand). Cytogenetic location: 20q11.21.
Variant type: single nucleotide variant.
Coding change: c.1843G>T on transcript NM_015338.6 (MANE Select); coding-DNA position 1843, G replaced by T.
Protein change: p.Ala615Ser; replaces alanine 615 with serine.
Molecular consequence: missense variant.
Genome position (GRCh38, 1-based): chr20:32,434,555, G>T. VCF-style: chr20-32434555-G-T. GRCh37 (hg19) VCF-style: chr20-31022358-G-T.
Other names: c.1660G>T, p.Ala554Ser (NM_001363734.1); short protein forms A554S, A615S.
Identifiers: ClinVar variation 4587270 (VCV004587270.1).